The following is an entry in ClinVar:

NM_207361.6(FREM2):c.79C>T (p.Pro27Ser)

Gene: FREM2 (FRAS1 related extracellular matrix 2; plus strand). Cytogenetic location: 13q13.3.
Variant type: single nucleotide variant.
Coding change: c.79C>T on transcript NM_207361.6 (MANE Select); coding-DNA position 79, C replaced by T.
Protein change: p.Pro27Ser; replaces proline 27 with serine.
Molecular consequence: missense variant.
Genome position (GRCh38, 1-based): chr13:38,687,423, C>T. VCF-style: chr13-38687423-C-T. GRCh37 (hg19) VCF-style: chr13-39261560-C-T.
Other names: short protein forms P27S.
Identifiers: ClinVar variation 4993759 (VCV004993759.1).

ClinVar aggregate classification (germline): Uncertain significance (1 of 4 stars; one submission).

Conditions:
FREM2-related disorder. Also called: FREM2-related condition.

Submission:

PreventionGenetics, part of Exact Sciences
Classification: Uncertain significance for FREM2-related condition. Last evaluated: 2026-06-04. Review status: criteria provided, single submitter. Criteria: ACMG Guidelines, 2015. Collection method: clinical testing. Allele origin: germline.
Comment: The FREM2 c.79C>T variant is predicted to result in the amino acid substitution p.Pro27Ser. To our knowledge, this variant has not been reported in the literature or in a large population database (gnomAD), indicating this variant is rare. At this time, the clinical significance of this variant is uncertain due to the absence of conclusive functional and genetic evidence.